The following is an entry in ClinVar:

NM_000346.4(SOX9):c.797C>T (p.Pro266Leu)

Gene: SOX9 (SRY-box transcription factor 9; plus strand). Cytogenetic location: 17q24.3.
Variant type: single nucleotide variant.
Coding change: c.797C>T on transcript NM_000346.4 (MANE Select); coding-DNA position 797, C replaced by T.
Protein change: p.Pro266Leu; replaces proline 266 with leucine.
Molecular consequence: missense variant.
Genome position (GRCh38, 1-based): chr17:72,123,654, C>T. VCF-style: chr17-72123654-C-T. GRCh37 (hg19) VCF-style: chr17-70119795-C-T.
Other names: short protein forms P266L.
Identifiers: ClinVar variation 2024289 (VCV002024289.4), dbSNP rs1908181043, ClinGen allele CA400867062.
Genomic context (GRCh38, chr17:72,123,654, plus strand): 5'-AGCCGGGCAAGGCTGACCTGAAGCGAGAGGGGCGCCCCTTGCCAGAGGGGGGCAGACAGC[C>T]CCCTATCGACTTCCGCGACGTGGACATCGGCGAGCTGAGCAGCGACGTCATCTCCAACAT-3'
Protein context (NP_000337.1, residues 256-276): GRPLPEGGRQ[Pro266Leu]PIDFRDVDIG

ClinVar aggregate classification (germline): Uncertain significance (1 of 4 stars; one submission).

Conditions:
Camptomelic dysplasia (CMPD). Also called: CMPD1/SRA1; Campomelic Dysplasia. Identifiers: Orphanet 140, MedGen C1861922, MONDO:0007251, OMIM 114290.

Allele frequency attached by ClinVar (database versions not stated): gnomAD exomes below 0.00001; TOPMed below 0.00001; gnomAD 0.00001.
gnomAD v4.1: 5 of 1,614,004 alleles (0.00031%); highest among the groups gnomAD compares: Non-Finnish European, 0.00042%; no homozygotes.

Submission:

Labcorp Genetics (formerly Invitae), Labcorp
Classification: Uncertain significance for Camptomelic dysplasia. Last evaluated: 2022-02-08. Review status: criteria provided, single submitter. Criteria: Invitae Variant Classification Sherloc (09022015). Collection method: clinical testing. Allele origin: germline.
Comment: This sequence change replaces proline, which is neutral and non-polar, with leucine, which is neutral and non-polar, at codon 266 of the SOX9 protein (p.Pro266Leu). This variant is not present in population databases (gnomAD no frequency). This variant has not been reported in the literature in individuals affected with SOX9-related conditions. Algorithms developed to predict the effect of missense changes on protein structure and function are either unavailable or do not agree on the potential impact of this missense change (SIFT: "Deleterious"; PolyPhen-2: "Possibly Damaging"; Align-GVGD: "Class C0"). In summary, the available evidence is currently insufficient to determine the role of this variant in disease. Therefore, it has been classified as a Variant of Uncertain Significance.